The following is an entry in ClinVar:

NM_001330360.2(POLA1):c.1747C>T (p.Pro583Ser)

Gene: POLA1 (DNA polymerase alpha 1, catalytic subunit; plus strand). Cytogenetic location: Xp22.11.
Variant type: single nucleotide variant.
Coding change: c.1747C>T on transcript NM_001330360.2 (MANE Select); coding-DNA position 1747, C replaced by T.
Protein change: p.Pro583Ser; replaces proline 583 with serine.
Molecular consequence: missense variant. On other transcripts: non-coding transcript variant (2).
Genome position (GRCh38, 1-based): chrX:24,732,430, C>T. VCF-style: chrX-24732430-C-T. GRCh37 (hg19) VCF-style: chrX-24750547-C-T.
Other names: c.1672C>T, p.Pro558Ser (NM_001378303.1); c.1729C>T, p.Pro577Ser (NM_016937.4); short protein forms P558S, P577S, P583S.
Identifiers: ClinVar variation 1501117 (VCV001501117.30), dbSNP rs2148373046, ClinGen allele CA412534611.

ClinVar aggregate classification (germline): Uncertain significance. Review status: criteria provided, multiple submitters, no conflicts (2 of 4 stars). 2 submissions from 2 submitters: Uncertain significance (2). Last evaluated 2026-01-05.

gnomAD v4.1: 3 of 1,183,867 alleles (0.00025%); highest among the groups gnomAD compares: East Asian, 0.003%; no homozygotes.

Submissions (2):

Labcorp Genetics (formerly Invitae), Labcorp
Classification: Uncertain significance. Last evaluated: 2026-01-05. Review status: criteria provided, single submitter. Criteria: Invitae Variant Classification Sherloc (09022015). Collection method: clinical testing. Allele origin: germline.
Comment: This sequence change replaces proline, which is neutral and non-polar, with serine, which is neutral and polar, at codon 577 of the POLA1 protein (p.Pro577Ser). This variant is not present in population databases (gnomAD no frequency). This variant has not been reported in the literature in individuals affected with POLA1-related conditions. ClinVar contains an entry for this variant (Variation ID: 1501117). Invitae Evidence Modeling of protein sequence and biophysical properties (such as structural, functional, and spatial information, amino acid conservation, physicochemical variation, residue mobility, and thermodynamic stability) indicates that this missense variant is not expected to disrupt POLA1 protein function with a negative predictive value of 80%. In summary, the available evidence is currently insufficient to determine the role of this variant in disease. Therefore, it has been classified as a Variant of Uncertain Significance.

CeGaT Center for Human Genetics Tuebingen
Classification: Uncertain significance. Last evaluated: 2023-06-01. Review status: criteria provided, single submitter. Criteria: CeGaT Center For Human Genetics Tuebingen Variant Classification Criteria Version 2. Collection method: clinical testing. Allele origin: germline. Affected: yes. Observed: 1 variant allele.
Comment: POLA1: PM2